The following is an entry in ClinVar:

ClinVar aggregate classification (germline): Pathogenic (1 of 4 stars; one submission).

Conditions:
Ulnar-mammary syndrome (UMS). Also called: SCHINZEL SYNDROME; Ulnar-mammary syndrome of Pallister; PALLISTER ULNAR-MAMMARY SYNDROME. Identifiers: Orphanet 3138, MedGen C1866994, MONDO:0008411, OMIM 181450.

Submission:

Labcorp Genetics (formerly Invitae), Labcorp
Classification: Pathogenic for Ulnar-mammary syndrome. Last evaluated: 2024-01-12. Review status: criteria provided, single submitter. Criteria: Invitae Variant Classification Sherloc (09022015). Collection method: clinical testing. Allele origin: germline.
Comment: This sequence change creates a premature translational stop signal (p.Ala147Serfs*13) in the TBX3 gene. It is expected to result in an absent or disrupted protein product. Loss-of-function variants in TBX3 are known to be pathogenic (PMID: 12668170, 16896345). This variant is not present in population databases (gnomAD no frequency). This variant has not been reported in the literature in individuals affected with TBX3-related conditions. For these reasons, this variant has been classified as Pathogenic.

Literature cited by the submitters: PubMed 12668170; PubMed 16896345.

NM_005996.4(TBX3):c.438dup (p.Ala147fs)

Gene: TBX3 (T-box transcription factor 3; minus strand). Cytogenetic location: 12q24.21.
Variant type: Duplication.
Coding change: c.438dup on transcript NM_005996.4 (MANE Select); coding-DNA position 438, one base duplicated (A; older notation c.438dupA).
Protein change: p.Ala147fs; shifts the reading frame from alanine 147.
Molecular consequence: frameshift variant.
Genome position (GRCh38, 1-based): chr12:114,681,098, T duplicated on the plus strand (A on the coding strand, the reverse complement: TBX3 is on the minus strand); the first of 6 consecutive T bases (chr12:114,681,098-114,681,103); duplicating any one gives the same sequence. VCF-style (leftmost placement, unchanged base first): chr12-114681097-C-CT. GRCh37 (hg19) VCF-style: chr12-115118902-C-CT.
Other names: c.438dup, p.Ala147fs (NM_016569.4); short protein forms A147fs.
Identifiers: ClinVar variation 2709083 (VCV002709083.3), dbSNP rs2499797082, ClinGen allele CA645598400.